The following is an entry in ClinVar:

NM_000322.5(PRPH2):c.760del (p.Leu254fs)

Gene: PRPH2 (peripherin 2; minus strand). Cytogenetic location: 6p21.1.
Variant type: Deletion.
Coding change: c.760del on transcript NM_000322.5 (MANE Select); coding-DNA position 760, one base deleted (C; older notation c.760delC).
Protein change: p.Leu254fs; shifts the reading frame from leucine 254.
Molecular consequence: frameshift variant.
Genome position (GRCh38, 1-based): chr6:42,704,433, G deleted on the plus strand (C on the coding strand, the reverse complement: PRPH2 is on the minus strand); the first of 3 consecutive G bases (chr6:42,704,433-42,704,435); deleting any one gives the same sequence. VCF-style (leftmost placement, unchanged base first): chr6-42704432-AG-A. GRCh37 (hg19) VCF-style: chr6-42672170-AG-A.
Other names: short protein forms L254fs.
Identifiers: ClinVar variation 987249 (VCV000987249.4), dbSNP rs1800111025, ClinGen allele CA1139659516.

ClinVar aggregate classification (germline): Pathogenic. Review status: criteria provided, single submitter (1 of 4 stars). 3 submissions from 3 submitters: Pathogenic (1). 2 of the submissions do not count toward it. Last evaluated 2020-10-23.

Conditions:
Retinal dystrophy. Also called: Inherited retinal dystrophy. Identifiers: Orphanet 71862, MedGen C0854723, MeSH D058499, MONDO:0019118, HP:0000556.

Submissions (3):

Institute of Medical Genetics and Applied Genomics, University Hospital Tübingen
Classification: Pathogenic. Last evaluated: 2020-10-23. Review status: criteria provided, single submitter. Criteria: ACMG Guidelines, 2015. Collection method: clinical testing. Allele origin: germline. Inheritance: Unknown mechanism. Affected: yes.

Leiden Open Variation Database
Classification: Pathogenic. Last evaluated: 2020-06-19. Review status: no assertion criteria provided. Collection method: curation. Allele origin: germline. Affected: yes. Not counted in ClinVar's aggregate classification.
Comment: Curator: Global Variome, with Curator vacancy. Submitter to LOVD: IMGAG.

Institute of Human Genetics, Univ. Regensburg, Univ. Regensburg
Classification: Pathogenic for Retinal dystrophy. Last evaluated: 2020-01-01. Review status: no assertion criteria provided. Criteria: ACMG Guidelines, 2015. Collection method: clinical testing. Allele origin: germline. Affected: yes. Not counted in ClinVar's aggregate classification.